The following is an entry in ClinVar:

NC_000020.10:g.(?_33044890)_(33049935_?)del

Gene: ITCH (itchy E3 ubiquitin protein ligase; plus strand). Cytogenetic location: 20q11.22.
Variant type: Deletion.
Identifiers: ClinVar variation 2426984 (VCV002426984.4).

ClinVar aggregate classification (germline): Likely pathogenic (1 of 4 stars; one submission).

Conditions:
Syndromic multisystem autoimmune disease due to ITCH deficiency. Also called: AUTOIMMUNE DISEASE, MULTISYSTEM, WITH FACIAL DYSMORPHISM. Identifiers: Orphanet 228426, MedGen C3150649, MONDO:0013245, OMIM 613385.

Submission:

Labcorp Genetics (formerly Invitae), Labcorp
Classification: Likely pathogenic for Syndromic multisystem autoimmune disease due to ITCH deficiency. Last evaluated: 2022-07-31. Review status: criteria provided, single submitter. Criteria: Invitae Variant Classification Sherloc (09022015). Collection method: clinical testing. Allele origin: germline.
Comment: In summary, the currently available evidence indicates that the variant is pathogenic, but additional data are needed to prove that conclusively. Therefore, this variant has been classified as Likely Pathogenic. This variant results in the deletion of exon 13 and part of exon 14 (c.1211-305_1333del) of the ITCH gene. It is expected to disrupt RNA splicing. Variants that disrupt the donor or acceptor splice site typically lead to a loss of protein function (PMID: 16199547), and loss-of-function variants in ITCH are known to be pathogenic (PMID: 20170897). This variant has not been reported in the literature in individuals affected with ITCH-related conditions.

Literature cited by the submitters: PubMed 16199547; PubMed 20170897.